The following is an entry in ClinVar:

NM_000059.4(BRCA2):c.9906G>C (p.Arg3302Ser)

Gene: BRCA2 (BRCA2 DNA repair associated; plus strand). Cytogenetic location: 13q13.1.
Variant type: single nucleotide variant.
Coding change: c.9906G>C on transcript NM_000059.4 (MANE Select); coding-DNA position 9906, G replaced by C.
Protein change: p.Arg3302Ser; replaces arginine 3302 with serine.
Molecular consequence: missense variant. On other transcripts: non-coding transcript variant (1).
Genome position (GRCh38, 1-based): chr13:32,398,419, G>C. VCF-style: chr13-32398419-G-C. GRCh37 (hg19) VCF-style: chr13-32972556-G-C.
Other names: c.9810G>C, p.Arg3270Ser (NM_001406719.1); c.9855G>C, p.Arg3285Ser (NM_001406720.1); c.4974G>C, p.Arg1658Ser (NM_001406721.1); c.3489G>C, p.Arg1163Ser (NM_001406722.1); short protein forms R1163S, R1658S, R3270S, R3285S, R3302S.
Identifiers: ClinVar variation 2680255 (VCV002680255.4), dbSNP rs786203842, ClinGen allele CA387766965.

ClinVar aggregate classification (germline): Uncertain significance. Review status: criteria provided, multiple submitters, no conflicts (2 of 4 stars). 3 submissions from 3 submitters: Uncertain significance (3). Last evaluated 2026-08-19.

Conditions:
Familial cancer of breast. Also called: BREAST CANCER, FAMILIAL; hereditary breast carcinoma; Hereditary breast cancer. Identifiers: Orphanet 227535, MedGen C0346153, MONDO:0016419, OMIM 114480. Disease mechanism: loss of function.
Hereditary breast ovarian cancer syndrome. Also called: Hereditary breast and ovarian cancer syndrome (HBOC); BRCA1- and BRCA2-Associated Hereditary Breast and Ovarian Cancer; Hereditary breast and ovarian cancer syndrome; Breast and ovarian cancer; Hereditary breast and ovarian cancer; Hereditary breast and/or ovarian cancer syndrome. Identifiers: Orphanet 145, MedGen C0677776, MeSH D061325, MONDO:0003582. Disease mechanism: loss of function.
Hereditary cancer-predisposing syndrome. Also called: Hereditary neoplastic syndrome; Hereditary Cancer Syndrome; Neoplastic Syndromes, Hereditary; Tumor predisposition. Identifiers: Orphanet 140162, MedGen C0027672, MeSH D009386, MONDO:0015356.

Submissions (3):

Ambry Genetics
Classification: Uncertain significance for Hereditary cancer-predisposing syndrome. Last evaluated: 2026-08-19. Review status: criteria provided, single submitter. Criteria: Ambry Variant Classification Scheme 2023. Collection method: clinical testing. Allele origin: germline.
Comment: The p.R3302S variant (also known as c.9906G>C), located in coding exon 26 of the BRCA2 gene, results from a G to C substitution at nucleotide position 9906. The arginine at codon 3302 is replaced by serine, an amino acid with dissimilar properties. This amino acid position is highly conserved in available vertebrate species. In addition, this alteration is predicted to be tolerated by in silico analysis. Based on the available evidence, the clinical significance of this variant remains unclear.

Labcorp Genetics (formerly Invitae), Labcorp
Classification: Uncertain significance for Hereditary breast ovarian cancer syndrome. Last evaluated: 2025-06-09. Review status: criteria provided, single submitter. Criteria: Invitae Variant Classification Sherloc (09022015). Collection method: clinical testing. Allele origin: germline.
Comment: This sequence change replaces arginine, which is basic and polar, with serine, which is neutral and polar, at codon 3302 of the BRCA2 protein (p.Arg3302Ser). This variant is not present in population databases (gnomAD no frequency). This variant has not been reported in the literature in individuals affected with BRCA2-related conditions. ClinVar contains an entry for this variant (Variation ID: 2680255). Invitae Evidence Modeling of protein sequence and biophysical properties (such as structural, functional, and spatial information, amino acid conservation, physicochemical variation, residue mobility, and thermodynamic stability) indicates that this missense variant is not expected to disrupt BRCA2 protein function with a negative predictive value of 95%. In summary, the available evidence is currently insufficient to determine the role of this variant in disease. Therefore, it has been classified as a Variant of Uncertain Significance.

Baylor Genetics
Classification: Uncertain significance for Familial cancer of breast. Last evaluated: 2023-08-31. Review status: criteria provided, single submitter. Criteria: ACMG Guidelines, 2015. Collection method: clinical testing. Allele origin: unknown.